The following is an entry in ClinVar:

NM_007294.4(BRCA1):c.2828A>C (p.Lys943Thr)

Gene: BRCA1 (BRCA1 DNA repair associated; minus strand). Cytogenetic location: 17q21.31.
Variant type: single nucleotide variant.
Coding change: c.2828A>C on transcript NM_007294.4 (MANE Select); coding-DNA position 2828, A replaced by C.
Protein change: p.Lys943Thr; replaces lysine 943 with threonine.
Molecular consequence: missense variant. On other transcripts: intron variant (137).
Genome position (GRCh38, 1-based): chr17:43,092,703, T>G on the plus strand (A>C on the coding strand, the complement: BRCA1 is on the minus strand). VCF-style: chr17-43092703-T-G. GRCh37 (hg19) VCF-style: chr17-41244720-T-G.
Other names: c.785-1671A>C (NM_001408407.1, NM_001408402.1, NM_001408473.1 and 13 more transcripts); c.665-1671A>C (NM_001408443.1, NM_001408439.1, NM_001408425.1 and 12 more transcripts); c.671-1671A>C (NM_001408419.1, NM_001408422.1, NM_001408423.1 and 2 more transcripts); c.788-1671A>C (NM_001408403.1, NM_001407983.1, NM_001407975.1 and 17 more transcripts); c.791-1680A>C (NM_001408406.1); c.647-1671A>C (NM_001408456.1, NM_001408454.1, NM_001408458.1 and 11 more transcripts); c.644-1671A>C (NM_001408465.1, NM_001408463.1, NM_001408470.1 and 3 more transcripts); c.578-1671A>C (NM_001408482.1, NM_001408484.1, NM_001408478.1 and 9 more transcripts); and 41 more; short protein forms K815T, K901T, K916T, K943T, K775T, K831T, K855T, K872T.
Identifiers: ClinVar variation 5033154 (VCV005033154.1).

ClinVar aggregate classification (germline): Uncertain significance (1 of 4 stars; one submission).

Conditions:
Hereditary cancer-predisposing syndrome. Also called: Neoplastic Syndromes, Hereditary; Tumor predisposition; Hereditary neoplastic syndrome; Hereditary Cancer Syndrome. Identifiers: Orphanet 140162, MedGen C0027672, MeSH D009386, MONDO:0015356.

Submission:

Ambry Genetics
Classification: Uncertain significance for Hereditary cancer-predisposing syndrome. Last evaluated: 2026-07-06. Review status: criteria provided, single submitter. Criteria: Ambry Variant Classification Scheme 2023. Collection method: clinical testing. Allele origin: germline.
Comment: The p.K943T variant (also known as c.2828A>C), located in coding exon 9 of the BRCA1 gene, results from an A to C substitution at nucleotide position 2828. The lysine at codon 943 is replaced by threonine, an amino acid with similar properties. This amino acid position is conserved. In addition, the in silico prediction for this alteration is inconclusive. Based on the available evidence, the clinical significance of this variant remains unclear.